The following is an entry in ClinVar:

ClinVar aggregate classification (germline): Uncertain significance (1 of 4 stars; one submission).

Allele frequency attached by ClinVar (database versions not stated): gnomAD exomes below 0.00001.
gnomAD v4.1: 2 of 1,609,718 alleles (0.00012%); highest among the groups gnomAD compares: African/African-American, 0.0027%; no homozygotes.

Submission:

Labcorp Genetics (formerly Invitae), Labcorp
Classification: Uncertain significance. Last evaluated: 2022-07-11. Review status: criteria provided, single submitter. Criteria: Invitae Variant Classification Sherloc (09022015). Collection method: clinical testing. Allele origin: germline.
Comment: This sequence change replaces proline, which is neutral and non-polar, with threonine, which is neutral and polar, at codon 792 of the COL27A1 protein (p.Pro792Thr). This variant is not present in population databases (gnomAD no frequency). This variant has not been reported in the literature in individuals affected with COL27A1-related conditions. ClinVar contains an entry for this variant (Variation ID: 1447399). Advanced modeling of protein sequence and biophysical properties (such as structural, functional, and spatial information, amino acid conservation, physicochemical variation, residue mobility, and thermodynamic stability) performed at Invitae indicates that this missense variant is not expected to disrupt COL27A1 protein function. In summary, the available evidence is currently insufficient to determine the role of this variant in disease. Therefore, it has been classified as a Variant of Uncertain Significance.

NM_032888.4(COL27A1):c.2374C>A (p.Pro792Thr)

Gene: COL27A1 (collagen type XXVII alpha 1 chain; plus strand). Cytogenetic location: 9q32.
Variant type: single nucleotide variant.
Coding change: c.2374C>A on transcript NM_032888.4 (MANE Select); coding-DNA position 2374, C replaced by A.
Protein change: p.Pro792Thr; replaces proline 792 with threonine.
Molecular consequence: missense variant.
Genome position (GRCh38, 1-based): chr9:114,219,797, C>A. VCF-style: chr9-114219797-C-A. GRCh37 (hg19) VCF-style: chr9-116982077-C-A.
Other names: short protein forms P792T.
Identifiers: ClinVar variation 1447399 (VCV001447399.5), dbSNP rs2135381720, ClinGen allele CA374602517.